The following is an entry in ClinVar:

ClinVar aggregate classification (germline): Uncertain significance (1 of 4 stars; one submission).

Conditions:
Cataract 48. Identifiers: MedGen C5193082, MONDO:0032735, OMIM 618415.

Allele frequency attached by ClinVar (database versions not stated): TOPMed 0.00003; gnomAD 0.00004; ExAC 0.00006; gnomAD exomes 0.00006 and 0.00008.
gnomAD v4.1: 94 of 1,613,556 alleles (0.0058%); highest among the groups gnomAD compares: South Asian, 0.027%; no homozygotes.

Submission:

Victorian Clinical Genetics Services, Murdoch Childrens Research Institute
Classification: Uncertain significance for Cataract 48. Last evaluated: 2022-06-24. Review status: criteria provided, single submitter. Criteria: ACMG Guidelines, 2015. Collection method: clinical testing. Allele origin: germline. Inheritance: Autosomal recessive inheritance. Affected: yes.
Comment: Based on the classification scheme VCGS_Germline_v1.3.4, this variant is classified as VUS-3B. Following criteria are met: 0102 - Loss of function is a likely mechanism of disease in this gene and is associated with cataract 48 (MIM#618415). (I) 0106 - This gene is associated with autosomal recessive disease. (I) 0200 - Variant is predicted to result in a missense amino acid change from glycine to aspartic acid. (I) 0251 - This variant is heterozygous. (I) 0304 - Variant is present in gnomAD (v2) <0.01 for a recessive condition (19 heterozygotes, 0 homozygotes). (SP) 0502 - Missense variant with conflicting in silico predictions and uninformative conservation. (I) 0604 - Variant is not located in an established domain, motif, hotspot or informative constraint region. (I) 0705 - No comparable missense variants have previous evidence for pathogenicity. (I) 0807 - This variant has no previous evidence of pathogenicity. (I) 0905 - No published segregation evidence has been identified for this variant. (I) 1007 - No published functional evidence has been identified for this variant. (I) 1208 - Inheritance information for this variant is not currently available in this individual. (I) Legend: (SP) - Supporting pathogenic, (I) - Information, (SB) - Supporting benign

NM_015221.4(DNMBP):c.1232G>A (p.Gly411Asp)

Genes: DNMBP-AS1 (DNMBP antisense RNA 1; plus strand), DNMBP (dynamin binding protein; minus strand). Cytogenetic location: 10q24.2.
Variant type: single nucleotide variant.
Coding change: c.1232G>A on transcript NM_015221.4 (MANE Select); coding-DNA position 1232, G replaced by A.
Protein change: p.Gly411Asp; replaces glycine 411 with aspartic acid.
Molecular consequence: missense variant.
Genome position (GRCh38, 1-based): chr10:99,956,242, C>T on the plus strand (G>A on the coding strand, the complement: DNMBP is on the minus strand). VCF-style: chr10-99956242-C-T. GRCh37 (hg19) VCF-style: chr10-101715999-C-T.
Other names: short protein forms G411D.
Identifiers: ClinVar variation 1699200 (VCV001699200.3), dbSNP rs757446966, ClinGen allele CA5645241.
Genomic context (GRCh38, chr10:99,956,242, plus strand): 5'-GAATAATACTGGCTTTTCTGCAAGTTGGGATGAAAAGGGACCTGAGGTTGGGAGGAAATA[C>T]CATTGACTACTTCTGTAGGGTCAGATGTGGGAGAGTCTGTGGCAAGAGGCATTTCCCACT-3'
Protein context (NP_056036.1, residues 401-421): PTSDPTEVVN[Gly411Asp]ISSQPQVPFH